The following is an entry in ClinVar:

NM_001048174.2(MUTYH):c.1339T>A (p.Trp447Arg)

Gene: MUTYH (mutY DNA glycosylase; minus strand). Cytogenetic location: 1p34.1.
Variant type: single nucleotide variant.
Coding change: c.1339T>A on transcript NM_001048174.2 (MANE Select); coding-DNA position 1339, T replaced by A.
Protein change: p.Trp447Arg; replaces tryptophan 447 with arginine.
Molecular consequence: missense variant. On other transcripts: non-coding transcript variant (2).
Genome position (GRCh38, 1-based): chr1:45,331,235, A>T on the plus strand (T>A on the coding strand, the complement: MUTYH is on the minus strand). VCF-style: chr1-45331235-A-T. GRCh37 (hg19) VCF-style: chr1-45796907-A-T.
Other names: c.994T>A, p.Trp332Arg (NM_001350651.2, NM_001350650.2); c.1414T>A, p.Trp472Arg (NM_012222.3); c.1339T>A, p.Trp447Arg (NM_001048171.2, NM_001048173.2, NM_001293195.2); c.1342T>A, p.Trp448Arg (NM_001048172.2); c.1423T>A, p.Trp475Arg (NM_001128425.2); c.1384T>A, p.Trp462Arg (NM_001293190.2); c.1372T>A, p.Trp458Arg (NM_001293191.2); c.1063T>A, p.Trp355Arg (NM_001293192.2, NM_001293196.2); short protein forms W462R, W472R, W475R, W448R, W332R, W355R, W447R, W458R.
Identifiers: ClinVar variation 819183 (VCV000819183.5), dbSNP rs1570364144, ClinGen allele CA340132616.
Genomic context (GRCh38, chr1:45,331,235, plus strand): 5'-GTAGTGCCTTTTTCATGGCGGTGGAAACAGCTGCGGTGTGAAATTCCTCCTGCGTCAGCC[A>T]GCGAGCACCTGGTGGTACGGTGGTCACTGGGGTCTGCCCTTCCAAGGCCAGCCCATATAC-3'
Protein context (NP_001041639.1, residues 437-457): PVTTVPPGAR[Trp447Arg]LTQEEFHTAA

ClinVar aggregate classification (germline): Likely pathogenic (1 of 4 stars; one submission).

Conditions:
Hereditary cancer-predisposing syndrome. Also called: Tumor predisposition; Hereditary neoplastic syndrome; Neoplastic Syndromes, Hereditary; Hereditary Cancer Syndrome. Identifiers: Orphanet 140162, MedGen C0027672, MeSH D009386, MONDO:0015356.

Submission:

Ambry Genetics
Classification: Likely pathogenic for Hereditary cancer-predisposing syndrome. Last evaluated: 2025-08-15. Review status: criteria provided, single submitter. Criteria: Ambry Variant Classification Scheme 2023. Collection method: clinical testing. Allele origin: germline.
Comment: The p.W475R variant (also known as c.1423T>A), located in coding exon 14 of the MUTYH gene, results from a T to A substitution at nucleotide position 1423. The tryptophan at codon 475 is replaced by arginine, an amino acid with dissimilar properties. In a massively parallel cell-based functional assay testing 7,8-dihydro-8-oxoguanine:adenine (8OG:A) repair activity, a byproduct of oxidative damage, this variant was reported to be non-functional (Hemker SL et al. Am J Hum Genet. Published online July 29, 2025. DOI: 10.1016/j.ajhg.2025.07.005). This amino acid position is highly conserved in available vertebrate species. In addition, this alteration is predicted to be deleterious by in silico analysis. This variant is considered to be rare based on population cohorts in the Genome Aggregation Database (gnomAD). Based on the majority of available evidence to date, this variant is likely to be pathogenic.

Literature cited by the submitters: PubMed 40738107.